The following is an entry in ClinVar:

ClinVar aggregate classification (germline): Uncertain significance (1 of 4 stars; one submission).

Conditions:
Gastrointestinal stromal tumor. Also called: Gastrointestinal stromal tumor, somatic; Gastrointestinal stroma tumor. Identifiers: Orphanet 44890, MedGen C0238198, MeSH D046152, MONDO:0011719, OMIM 606764, HP:0100723.

Submission:

Labcorp Genetics (formerly Invitae), Labcorp
Classification: Uncertain significance for Gastrointestinal stromal tumor. Last evaluated: 2019-06-12. Review status: criteria provided, single submitter. Criteria: Invitae Variant Classification Sherloc (09022015). Collection method: clinical testing. Allele origin: germline.
Comment: This sequence change replaces glutamic acid with aspartic acid at codon 53 of the KIT protein (p.Glu53Asp). The glutamic acid residue is moderately conserved and there is a small physicochemical difference between glutamic acid and aspartic acid. This variant is not present in population databases (ExAC no frequency). This variant has not been reported in the literature in individuals with KIT-related conditions. Algorithms developed to predict the effect of missense changes on protein structure and function (SIFT, PolyPhen-2, Align-GVGD) all suggest that this variant is likely to be tolerated, but these predictions have not been confirmed by published functional studies and their clinical significance is uncertain. In summary, the available evidence is currently insufficient to determine the role of this variant in disease. Therefore, it has been classified as a Variant of Uncertain Significance.

NM_000222.3(KIT):c.159G>T (p.Glu53Asp)

Gene: KIT (KIT proto-oncogene, receptor tyrosine kinase; plus strand). Cytogenetic location: 4q12.
Variant type: single nucleotide variant.
Coding change: c.159G>T on transcript NM_000222.3 (MANE Select); coding-DNA position 159, G replaced by T.
Protein change: p.Glu53Asp; replaces glutamic acid 53 with aspartic acid.
Molecular consequence: missense variant.
Genome position (GRCh38, 1-based): chr4:54,695,603, G>T. VCF-style: chr4-54695603-G-T. GRCh37 (hg19) VCF-style: chr4-55561769-G-T.
Other names: c.159G>T, p.Glu53Asp (NM_001093772.2, NM_001385284.1, NM_001385285.1 and 4 more transcripts); short protein forms E53D.
Identifiers: ClinVar variation 950522 (VCV000950522.10), dbSNP rs749431345, ClinGen allele CA356896955.